The following is an entry in ClinVar:

ClinVar aggregate classification (germline): Uncertain significance (1 of 4 stars; one submission).

Conditions:
Epidermolysis bullosa simplex 3, localized or generalized intermediate, with BP230 deficiency (EBS3). Also called: Epidermolysis bullosa simplex, autosomal recessive 2; Epidermolysis bullosa simplex due to BP230 deficiency. Identifiers: Orphanet 412181, MedGen C3809470, MONDO:0014180, OMIM 615425.
Hereditary sensory and autonomic neuropathy type 6. Also called: Neuropathy, hereditary sensory and autonomic, type VI; HSAN VI. Identifiers: Orphanet 314381, MedGen C3539003, MONDO:0013839, OMIM 614653.

Allele frequency attached by ClinVar (database versions not stated): TOPMed 0.00002; gnomAD exomes 0.00003; ExAC 0.00004; gnomAD 0.00005 and 0.00006.
gnomAD v4.1: 60 of 1,613,496 alleles (0.0037%); highest among the groups gnomAD compares: Non-Finnish European, 0.0046%; no homozygotes.

Submission:

Labcorp Genetics (formerly Invitae), Labcorp
Classification: Uncertain significance for Epidermolysis bullosa simplex 3, localized or generalized intermediate, with BP230 deficiency; Hereditary sensory and autonomic neuropathy type 6. Last evaluated: 2024-05-22. Review status: criteria provided, single submitter. Criteria: Invitae Variant Classification Sherloc (09022015). Collection method: clinical testing. Allele origin: germline.
Comment: The DST gene has multiple clinically relevant transcripts. This variant occurs in alternate transcript NM_015548.4, and corresponds to NM_001723.5:c.*41786G>C in the primary transcript. This sequence change replaces glycine, which is neutral and non-polar, with alanine, which is neutral and non-polar, at codon 1772 of the DST protein (p.Gly1772Ala). This variant is present in population databases (rs778792290, gnomAD 0.01%). This variant has not been reported in the literature in individuals affected with DST-related conditions. Experimental studies and prediction algorithms are not available or were not evaluated, and the functional significance of this variant is currently unknown. In summary, the available evidence is currently insufficient to determine the role of this variant in disease. Therefore, it has been classified as a Variant of Uncertain Significance.

NM_001374736.1(DST):c.13184G>C (p.Gly4395Ala)

Gene: DST (dystonin; minus strand). Cytogenetic location: 6p12.1.
Variant type: single nucleotide variant.
Coding change: c.13184G>C on transcript NM_001374736.1 (MANE Select); coding-DNA position 13184, G replaced by C.
Protein change: p.Gly4395Ala; replaces glycine 4395 with alanine.
Molecular consequence: missense variant.
Genome position (GRCh38, 1-based): chr6:56,573,731, C>G on the plus strand (G>C on the coding strand, the complement: DST is on the minus strand). VCF-style: chr6-56573731-C-G. GRCh37 (hg19) VCF-style: chr6-56438529-C-G.
Other names: c.6827G>C, p.Gly2276Ala (NM_001144769.5); c.6413G>C, p.Gly2138Ala (NM_001144770.2); c.13184G>C, p.Gly4395Ala (NM_001374722.1); c.12551G>C, p.Gly4184Ala (NM_001374729.1); c.6293G>C, p.Gly2098Ala (NM_001374730.1, NM_183380.4); c.13211G>C, p.Gly4404Ala (NM_001374734.1); c.5315G>C, p.Gly1772Ala (NM_015548.5); short protein forms G4404A, G1772A, G2098A, G4395A, G2276A, G4184A, G2138A.
Identifiers: ClinVar variation 971306 (VCV000971306.10), dbSNP rs778792290, ClinGen allele CA3868270.